The following is an entry in ClinVar:

ClinVar aggregate classification (germline): Uncertain significance (1 of 4 stars; one submission).

Submission:

Mayo Clinic Laboratories, Mayo Clinic
Classification: Uncertain significance. Last evaluated: 2023-05-24. Review status: criteria provided, single submitter. Criteria: ACMG Guidelines, 2015. Collection method: clinical testing. Allele origin: germline. Observed: 1 variant allele.
Comment: PM2_supporting

NM_024422.6(DSC2):c.415C>G (p.Pro139Ala)

Gene: DSC2 (desmocollin 2; minus strand). Cytogenetic location: 18q12.1.
Variant type: single nucleotide variant.
Coding change: c.415C>G on transcript NM_024422.6 (MANE Select); coding-DNA position 415, C replaced by G.
Protein change: p.Pro139Ala; replaces proline 139 with alanine.
Molecular consequence: missense variant. On other transcripts: 5 prime UTR variant (2).
Genome position (GRCh38, 1-based): chr18:31,091,087, G>C on the plus strand (C>G on the coding strand, the complement: DSC2 is on the minus strand). VCF-style: chr18-31091087-G-C. GRCh37 (hg19) VCF-style: chr18-28671050-G-C.
Other names: p.Pro139Ala; c.-15C>G (NM_001406506.1, NM_001406507.1); c.415C>G, p.Pro139Ala (NM_004949.5); short protein forms P139A.
Identifiers: ClinVar variation 2683453 (VCV002683453.1), dbSNP rs2510955000, ClinGen allele CA402114285.